The following is an entry in ClinVar:

NM_006231.4(POLE):c.1107-9C>T

Gene: POLE (DNA polymerase epsilon, catalytic subunit; minus strand). Cytogenetic location: 12q24.33.
Variant type: single nucleotide variant.
Coding change: c.1107-9C>T on transcript NM_006231.4 (MANE Select); 9 bases into the intron before coding-DNA position 1107, C replaced by T.
Molecular consequence: intron variant.
Genome position (GRCh38, 1-based): chr12:132,675,526, G>A on the plus strand (C>T on the coding strand, the complement: POLE is on the minus strand). VCF-style: chr12-132675526-G-A. GRCh37 (hg19) VCF-style: chr12-133252112-G-A.
Identifiers: ClinVar variation 3904149 (VCV003904149.1).
Genomic context (GRCh38, chr12:132,675,526, plus strand): 5'-CTCCTGCTGCATGCTCAGACCGTGGACTGCTGCCCGGGCCTCCACAAATGGCCTGGGTTG[G>A]AAAGAGGACAGACAAGCAAGTGGGCAGGTCAGGCTCTAATGCCCCTTTCTCCATTCCTCC-3'

ClinVar aggregate classification (germline): Likely benign (1 of 4 stars; one submission).

Conditions:
Colorectal cancer, susceptibility to, 12 (CRCS12). Also called: COLORECTAL CANCER, SUSCEPTIBILITY TO, ON CHROMOSOME 12q24. Identifiers: Orphanet 220460, MedGen C3554460, MONDO:0014038, OMIM 615083.

Submission:

Myriad Genetics, Inc.
Classification: Likely benign for Colorectal cancer, susceptibility to, 12. Last evaluated: 2025-02-10. Review status: criteria provided, single submitter. Criteria: Myriad Autosomal Dominant, Autosomal Recessive and X-Linked Classification Criteria (2023). Collection method: clinical testing. Allele origin: unknown.
Comment: This variant is considered likely benign. This variant is intronic and is not expected to impact mRNA splicing.